The following is an entry in ClinVar:

ClinVar aggregate classification (germline): Conflicting classifications of pathogenicity. Review status: criteria provided, conflicting classifications (1 of 4 stars). 3 submissions from 3 submitters: Uncertain significance (2); Likely benign (1). Last evaluated 2025-05-13.

Allele frequency attached by ClinVar (database versions not stated): gnomAD 0.00001; gnomAD exomes 0.00001 and 0.00002; TOPMed 0.00001; ExAC 0.00004.
gnomAD v4.1: 13 of 1,206,107 alleles (0.0011%); highest among the groups gnomAD compares: South Asian, 0.0054%; no homozygotes.

Submissions (3):

Labcorp Genetics (formerly Invitae), Labcorp
Classification: Uncertain significance. Last evaluated: 2025-05-13. Review status: criteria provided, single submitter. Criteria: Invitae Variant Classification Sherloc (09022015). Collection method: clinical testing. Allele origin: germline.
Comment: This sequence change replaces arginine, which is basic and polar, with cysteine, which is neutral and slightly polar, at codon 1789 of the CACNA1F protein (p.Arg1789Cys). This variant is present in population databases (rs781892709, gnomAD 0.004%). This variant has not been reported in the literature in individuals affected with CACNA1F-related conditions. ClinVar contains an entry for this variant (Variation ID: 999775). An algorithm developed to predict the effect of missense changes on protein structure and function (PolyPhen-2) suggests that this variant is likely to be tolerated. In summary, the available evidence is currently insufficient to determine the role of this variant in disease. Therefore, it has been classified as a Variant of Uncertain Significance.

Blueprint Genetics
Classification: Uncertain significance. Last evaluated: 2024-04-10. Review status: criteria provided, single submitter. Criteria: ACMG Guidelines, 2015. Collection method: clinical testing. Allele origin: germline.

CeGaT Center for Human Genetics Tuebingen
Classification: Likely benign. Last evaluated: 2022-08-01. Review status: criteria provided, single submitter. Criteria: CeGaT Center For Human Genetics Tuebingen Variant Classification Criteria Version 2. Collection method: clinical testing. Allele origin: germline. Affected: yes. Observed: 1 variant allele.
Comment: CACNA1F: BP4, BP5

NM_001256789.3(CACNA1F):c.5332C>T (p.Arg1778Cys)

Gene: CACNA1F (calcium voltage-gated channel subunit alpha1 F; minus strand). Cytogenetic location: Xp11.23.
Variant type: single nucleotide variant.
Coding change: c.5332C>T on transcript NM_001256789.3 (MANE Select); coding-DNA position 5332, C replaced by T.
Protein change: p.Arg1778Cys; replaces arginine 1778 with cysteine.
Molecular consequence: missense variant.
Genome position (GRCh38, 1-based): chrX:49,206,755, G>A on the plus strand (C>T on the coding strand, the complement: CACNA1F is on the minus strand). VCF-style: chrX-49206755-G-A. GRCh37 (hg19) VCF-style: chrX-49063216-G-A.
Other names: c.5170C>T, p.Arg1724Cys (NM_001256790.3); c.5365C>T, p.Arg1789Cys (NM_005183.4); short protein forms R1724C, R1778C, R1789C.
Identifiers: ClinVar variation 999775 (VCV000999775.33), dbSNP rs781892709, ClinGen allele CA10410006.